The following is an entry in ClinVar:

ClinVar aggregate classification (germline): Uncertain significance. Review status: criteria provided, multiple submitters, no conflicts (2 of 4 stars). 2 submissions from 2 submitters: Uncertain significance (2). Last evaluated 2025-12-28.

gnomAD v4.1: 69 of 1,614,092 alleles (0.0043%); highest among the groups gnomAD compares: Middle Eastern, 0.033%; no homozygotes.

Submissions (2):

Labcorp Genetics (formerly Invitae), Labcorp
Classification: Uncertain significance. Last evaluated: 2025-12-28. Review status: criteria provided, single submitter. Criteria: Invitae Variant Classification Sherloc (09022015). Collection method: clinical testing. Allele origin: germline.
Comment: This sequence change replaces alanine, which is neutral and non-polar, with threonine, which is neutral and polar, at codon 284 of the MECOM protein (p.Ala284Thr). This variant is present in population databases (rs750829949, gnomAD 0.01%). This variant has not been reported in the literature in individuals affected with MECOM-related conditions. ClinVar contains an entry for this variant (Variation ID: 2192480). An algorithm developed to predict the effect of missense changes on protein structure and function outputs the following: PolyPhen-2: "Benign". The threonine amino acid residue is found in multiple mammalian species, which suggests that this missense change does not adversely affect protein function. In summary, the available evidence is currently insufficient to determine the role of this variant in disease. Therefore, it has been classified as a Variant of Uncertain Significance.

Breakthrough Genomics
Classification: Uncertain significance. Review status: criteria provided, single submitter. Criteria: ACMG Guidelines, 2015. Collection method: not provided. Allele origin: germline. Inheritance: Autosomal dominant inheritance. Affected: yes.

NM_004991.4(MECOM):c.1414G>A (p.Ala472Thr)

Gene: MECOM (MDS1 and EVI1 complex locus; minus strand). Cytogenetic location: 3q26.2.
Variant type: single nucleotide variant.
Coding change: c.1414G>A on transcript NM_004991.4 (MANE Select); coding-DNA position 1414, G replaced by A.
Protein change: p.Ala472Thr; replaces alanine 472 with threonine.
Molecular consequence: missense variant. On other transcripts: intron variant (2).
Genome position (GRCh38, 1-based): chr3:169,116,458, C>T on the plus strand (G>A on the coding strand, the complement: MECOM is on the minus strand). VCF-style: chr3-169116458-C-T. GRCh37 (hg19) VCF-style: chr3-168834246-C-T.
Other names: c.1045G>A, p.Ala349Thr (NM_001105077.4); c.850G>A, p.Ala284Thr (NM_001105078.4, NM_001164000.2, NM_001205194.2 and 4 more transcripts); c.853G>A, p.Ala285Thr (NM_001163999.2, NM_001366467.2, NM_001366468.2 and 1 more transcripts); c.1414G>A, p.Ala472Thr (NM_001366466.2); c.1133-691G>A (NM_001366473.2); c.569-691G>A (NM_001366474.2); short protein forms A284T, A285T, A349T, A472T.
Identifiers: ClinVar variation 2192480 (VCV002192480.5), dbSNP rs750829949, ClinGen allele CA2696339.
Genomic context (GRCh38, chr3:169,116,458, plus strand): 5'-GGAAGCTAAAAGAAAATCCAGGAGCTGTTGGAAAGGTAAGACCAGCAGGATGCCTATTGG[C>T]GCCAAAATAGTCAGCAAGGCCCGGGTTGGCATGACTCATATTAACCATGGACGTTTTATC-3'
Protein context (NP_004982.2, residues 462-482): ANPGLADYFG[Ala472Thr]NRHPAGLTFP